The following is an entry in ClinVar:

NM_024747.6(HPS6):c.1084G>C (p.Gly362Arg)

Gene: HPS6 (HPS6 biogenesis of lysosomal organelles complex 2 subunit 3; plus strand). Cytogenetic location: 10q24.32.
Variant type: single nucleotide variant.
Coding change: c.1084G>C on transcript NM_024747.6 (MANE Select); coding-DNA position 1084, G replaced by C.
Protein change: p.Gly362Arg; replaces glycine 362 with arginine.
Molecular consequence: missense variant.
Genome position (GRCh38, 1-based): chr10:102,066,558, G>C. VCF-style: chr10-102066558-G-C. GRCh37 (hg19) VCF-style: chr10-103826315-G-C.
Other names: short protein forms G362R.
Identifiers: ClinVar variation 2096476 (VCV002096476.4), dbSNP rs758140073, ClinGen allele CA377864293.

ClinVar aggregate classification (germline): Uncertain significance (1 of 4 stars; one submission).

Submission:

Labcorp Genetics (formerly Invitae), Labcorp
Classification: Uncertain significance. Last evaluated: 2022-06-01. Review status: criteria provided, single submitter. Criteria: Invitae Variant Classification Sherloc (09022015). Collection method: clinical testing. Allele origin: germline.
Comment: This sequence change replaces glycine, which is neutral and non-polar, with arginine, which is basic and polar, at codon 362 of the HPS6 protein (p.Gly362Arg). This variant is not present in population databases (gnomAD no frequency). This variant has not been reported in the literature in individuals affected with HPS6-related conditions. Algorithms developed to predict the effect of missense changes on protein structure and function are either unavailable or do not agree on the potential impact of this missense change (SIFT: "Tolerated"; PolyPhen-2: "Probably Damaging"; Align-GVGD: "Class C0"). In summary, the available evidence is currently insufficient to determine the role of this variant in disease. Therefore, it has been classified as a Variant of Uncertain Significance.